The following is an entry in ClinVar:

NM_000257.4(MYH7):c.5505G>C (p.Glu1835Asp)

Gene: MYH7 (myosin heavy chain 7; minus strand). Cytogenetic location: 14q11.2.
Variant type: single nucleotide variant.
Coding change: c.5505G>C on transcript NM_000257.4 (MANE Select); coding-DNA position 5505, G replaced by C.
Protein change: p.Glu1835Asp; replaces glutamic acid 1835 with aspartic acid.
Molecular consequence: missense variant.
Genome position (GRCh38, 1-based): chr14:23,415,049, C>G on the plus strand (G>C on the coding strand, the complement: MYH7 is on the minus strand). VCF-style: chr14-23415049-C-G. GRCh37 (hg19) VCF-style: chr14-23884258-C-G.
Other names: short protein forms E1835D.
Identifiers: ClinVar variation 454388 (VCV000454388.10), dbSNP rs750622554, ClinGen allele CA389035111.

ClinVar aggregate classification (germline): Uncertain significance (1 of 4 stars; one submission).

Conditions:
Hypertrophic cardiomyopathy. Also called: HYPERTROPHIC MYOCARDIOPATHY. Identifiers: Orphanet 217569, MedGen C0007194, MeSH D002312, MONDO:0005045, HP:0001639.

Submission:

Labcorp Genetics (formerly Invitae), Labcorp
Classification: Uncertain significance for Hypertrophic cardiomyopathy. Last evaluated: 2022-10-04. Review status: criteria provided, single submitter. Criteria: Invitae Variant Classification Sherloc (09022015). Collection method: clinical testing. Allele origin: germline.
Comment: In summary, the available evidence is currently insufficient to determine the role of this variant in disease. Therefore, it has been classified as a Variant of Uncertain Significance. Advanced modeling of protein sequence and biophysical properties (such as structural, functional, and spatial information, amino acid conservation, physicochemical variation, residue mobility, and thermodynamic stability) performed at Invitae indicates that this missense variant is not expected to disrupt MYH7 protein function. ClinVar contains an entry for this variant (Variation ID: 454388). This variant has not been reported in the literature in individuals affected with MYH7-related conditions. This variant is not present in population databases (gnomAD no frequency). This sequence change replaces glutamic acid, which is acidic and polar, with aspartic acid, which is acidic and polar, at codon 1835 of the MYH7 protein (p.Glu1835Asp).